The following is an entry in ClinVar:

ClinVar aggregate classification (germline): Uncertain significance (1 of 4 stars; one submission).

Submission:

Labcorp Genetics (formerly Invitae), Labcorp
Classification: Uncertain significance. Last evaluated: 2022-03-25. Review status: criteria provided, single submitter. Criteria: Invitae Variant Classification Sherloc (09022015). Collection method: clinical testing. Allele origin: germline.
Comment: This sequence change replaces leucine, which is neutral and non-polar, with arginine, which is basic and polar, at codon 3034 of the DMXL2 protein (p.Leu3034Arg). This variant is not present in population databases (gnomAD no frequency). This variant has not been reported in the literature in individuals affected with DMXL2-related conditions. In summary, the available evidence is currently insufficient to determine the role of this variant in disease. Therefore, it has been classified as a Variant of Uncertain Significance. Algorithms developed to predict the effect of missense changes on protein structure and function are either unavailable or do not agree on the potential impact of this missense change (SIFT: "Tolerated"; PolyPhen-2: "Possibly Damaging"; Align-GVGD: "Class C0").

NM_001378457.1(DMXL2):c.9164T>G (p.Leu3055Arg)

Gene: DMXL2 (Dmx like 2; minus strand). Cytogenetic location: 15q21.2.
Variant type: single nucleotide variant.
Coding change: c.9164T>G on transcript NM_001378457.1 (MANE Select); coding-DNA position 9164, T replaced by G.
Protein change: p.Leu3055Arg; replaces leucine 3055 with arginine.
Molecular consequence: missense variant. On other transcripts: non-coding transcript variant (2).
Genome position (GRCh38, 1-based): chr15:51,448,997, A>C on the plus strand (T>G on the coding strand, the complement: DMXL2 is on the minus strand). VCF-style: chr15-51448997-A-C. GRCh37 (hg19) VCF-style: chr15-51741194-A-C.
Other names: c.9101T>G, p.Leu3034Arg (NM_001174116.3); c.7190T>G, p.Leu2397Arg (NM_001174117.3); c.9161T>G, p.Leu3054Arg (NM_001378458.1); c.8876T>G, p.Leu2959Arg (NM_001378459.1); c.7079T>G, p.Leu2360Arg (NM_001378460.1); c.9098T>G, p.Leu3033Arg (NM_015263.5); short protein forms L3055R, L2397R, L3034R, L2360R, L2959R, L3033R, L3054R.
Identifiers: ClinVar variation 2116673 (VCV002116673.4), dbSNP rs2542920588, ClinGen allele CA392428566.
Genomic context (GRCh38, chr15:51,448,997, plus strand): 5'-TAGTGTGCCTTTTAACTGAAATGTATATAAAAATAAAACCCCAATCTTTATAGAATGTCA[A>C]GAATTCTGTTAGGGATGTTAAAAGCATTGGGCAAAACCCTGGTTTTCAGCGTGCCATCTG-3'
Protein context (NP_001365386.1, residues 3045-3058): PNAFNIPNRI[Leu3055Arg]DIL